The following is an entry in ClinVar:

NM_198576.4(AGRN):c.1660G>A (p.Val554Met)

Gene: AGRN (agrin; plus strand). Cytogenetic location: 1p36.33.
Variant type: single nucleotide variant.
Coding change: c.1660G>A on transcript NM_198576.4 (MANE Select); coding-DNA position 1660, G replaced by A.
Protein change: p.Val554Met; replaces valine 554 with methionine.
Molecular consequence: missense variant.
Genome position (GRCh38, 1-based): chr1:1,043,594, G>A. VCF-style: chr1-1043594-G-A. GRCh37 (hg19) VCF-style: chr1-978974-G-A.
Other names: c.1660G>A, p.Val554Met (NM_001305275.2); c.1345G>A, p.Val449Met (NM_001364727.2); c.1660G>A (NM_198576.2); short protein forms V554M, V449M.
Identifiers: ClinVar variation 263165 (VCV000263165.15), dbSNP rs79016973, ClinGen allele CA508288.

ClinVar aggregate classification (germline): Benign/Likely benign. Review status: criteria provided, multiple submitters, no conflicts (2 of 4 stars). 5 submissions from 5 submitters: Benign (3); Likely benign (2). Last evaluated 2026-02-02.

Conditions:
Congenital myasthenic syndrome 8. Also called: Myasthenic syndrome, congenital, 8, with pre- and postsynaptic defects; MYASTHENIC SYNDROME, CONGENITAL, DUE TO AGRIN DEFICIENCY. Identifiers: Orphanet 590, MedGen C3808739, MONDO:0014052, OMIM 615120.

Allele frequency attached by ClinVar (database versions not stated): ESP Exome Variant Server 0.00300; TOPMed 0.00526; gnomAD 0.00706 and 0.00717; gnomAD exomes 0.00811; ExAC 0.00884; 1000 Genomes Project 30x 0.01062; 1000 Genomes Project 0.01138.
gnomAD v4.1: 9,721 of 1,605,018 alleles (0.61%); highest among the groups gnomAD compares: East Asian, 3%; 65 homozygotes.

Submissions (5):

Labcorp Genetics (formerly Invitae), Labcorp
Classification: Benign for Congenital myasthenic syndrome 8. Last evaluated: 2026-02-02. Review status: criteria provided, single submitter. Criteria: Invitae Variant Classification Sherloc (09022015). Collection method: clinical testing. Allele origin: germline.

Athena Diagnostics
Classification: Benign. Last evaluated: 2025-11-04. Review status: criteria provided, single submitter. Criteria: Athena Diagnostics Criteria. Collection method: clinical testing. Allele origin: unknown.
Comment: The frequency of this variant in the general population is higher than would generally be expected for pathogenic variants in this gene.

Center for Pediatric Genomic Medicine, Children's Mercy Hospital and Clinics
Classification: Likely benign. Last evaluated: 2017-02-23. Review status: criteria provided, single submitter. Criteria: ACMG Guidelines, 2015. Collection method: clinical testing. Allele origin: germline.

Breakthrough Genomics
Classification: Likely benign. Review status: criteria provided, single submitter. Criteria: ACMG Guidelines, 2015. Collection method: not provided. Allele origin: germline. Inheritance: Autosomal recessive inheritance. Affected: yes.

PreventionGenetics, part of Exact Sciences
Classification: Benign. Review status: criteria provided, single submitter. Criteria: ACMG Guidelines, 2015. Collection method: clinical testing. Allele origin: germline.